The following is an entry in ClinVar:

NM_139057.4(ADAMTS17):c.313C>T (p.Arg105Ter)

Gene: ADAMTS17 (ADAM metallopeptidase with thrombospondin type 1 motif 17; minus strand). Cytogenetic location: 15q26.3.
Variant type: single nucleotide variant.
Coding change: c.313C>T on transcript NM_139057.4 (MANE Select); coding-DNA position 313, C replaced by T.
Protein change: p.Arg105Ter; replaces arginine 105 with a stop codon.
Molecular consequence: nonsense.
Genome position (GRCh38, 1-based): chr15:100,341,176, G>A on the plus strand (C>T on the coding strand, the complement: ADAMTS17 is on the minus strand). VCF-style: chr15-100341176-G-A. GRCh37 (hg19) VCF-style: chr15-100881381-G-A.
Other names: short protein forms R105*.
Identifiers: ClinVar variation 1421924 (VCV001421924.6), dbSNP rs1421713385, ClinGen allele CA394525085.

ClinVar aggregate classification (germline): Pathogenic (1 of 4 stars; one submission).

Allele frequency attached by ClinVar (database versions not stated): TOPMed below 0.00001.
gnomAD v4.1: 8 of 1,463,442 alleles (0.00055%); highest among the groups gnomAD compares: South Asian, 0.0013%; no homozygotes.

Submission:

Labcorp Genetics (formerly Invitae), Labcorp
Classification: Pathogenic. Last evaluated: 2021-02-25. Review status: criteria provided, single submitter. Criteria: Invitae Variant Classification Sherloc (09022015). Collection method: clinical testing. Allele origin: germline.
Comment: For these reasons, this variant has been classified as Pathogenic. This variant has not been reported in the literature in individuals with ADAMTS17-related conditions. The frequency data for this variant in the population databases is considered unreliable, as metrics indicate insufficient coverage at this position in the ExAC database. This sequence change creates a premature translational stop signal (p.Arg105*) in the ADAMTS17 gene. It is expected to result in an absent or disrupted protein product. Loss-of-function variants in ADAMTS17 are known to be pathogenic (PMID: 19836009, 24940034).

Literature cited by the submitters: PubMed 19836009; PubMed 24940034.